The following is an entry in ClinVar:

ClinVar aggregate classification (germline): Benign (1 of 4 stars; one submission).

Conditions:
Qualitative or quantitative defects of delta-sarcoglycan. Identifiers: Orphanet 207070, MedGen C5680806, MONDO:0016144.

Allele frequency attached by ClinVar (database versions not stated): gnomAD exomes 0.04009; gnomAD 0.13454 and 0.14018; TOPMed 0.14987; 1000 Genomes Project 0.15036; 1000 Genomes Project 30x 0.16224.
gnomAD v4.1: 20,370 of 152,562 alleles (13%); highest among the groups gnomAD compares: African/African-American, 34%; 2,671 homozygotes.

Submission:

Illumina Laboratory Services, Illumina
Classification: Benign for Qualitative or quantitative defects of delta-sarcoglycan. Last evaluated: 2018-01-13. Review status: criteria provided, single submitter. Criteria: ICSL Variant Classification Criteria 13 December 2019. Collection method: clinical testing. Allele origin: germline.
Comment: This variant was observed in the ICSL laboratory as part of a predisposition screen in an ostensibly healthy population. It had not been previously curated by ICSL or reported in the Human Gene Mutation Database (HGMD: prior to June 1st, 2018), and was therefore a candidate for classification through an automated scoring system. Utilizing variant allele frequency, disease prevalence and penetrance estimates, and inheritance mode, an automated score was calculated to assess if this variant is too frequent to cause the disease. Based on the score and internal cut-off values, a variant classified as benign is not then subjected to further curation. The score for this variant resulted in a classification of benign for this disease.

NM_000337.6(SGCD):c.*4813T>C

Gene: SGCD (sarcoglycan delta; plus strand). Cytogenetic location: 5q33.3.
Variant type: single nucleotide variant.
Coding change: c.*4813T>C on transcript NM_000337.6 (MANE Select); 4813 bases downstream of the stop codon, T replaced by C.
Molecular consequence: 3 prime UTR variant.
Genome position (GRCh38, 1-based): chr5:156,764,203, T>C. VCF-style: chr5-156764203-T-C. GRCh37 (hg19) VCF-style: chr5-156191214-T-C.
Other names: c.*4813T>C (NM_001128209.2).
Identifiers: ClinVar variation 352395 (VCV000352395.6), dbSNP rs1845479, ClinGen allele CA10623865.